The following is an entry in ClinVar:

NM_138370.3(PKDCC):c.1205C>T (p.Thr402Met)

Gene: PKDCC (protein kinase domain containing, cytoplasmic; plus strand). Cytogenetic location: 2p21.
Variant type: single nucleotide variant.
Coding change: c.1205C>T on transcript NM_138370.3 (MANE Select); coding-DNA position 1205, C replaced by T.
Protein change: p.Thr402Met; replaces threonine 402 with methionine.
Molecular consequence: missense variant.
Genome position (GRCh38, 1-based): chr2:42,055,376, C>T. VCF-style: chr2-42055376-C-T. GRCh37 (hg19) VCF-style: chr2-42282516-C-T.
Other names: c.1205C>T (NM_138370.2); short protein forms T402M.
Identifiers: ClinVar variation 2189426 (VCV002189426.3), dbSNP rs199534537, ClinGen allele CA1628170.

ClinVar aggregate classification (germline): Uncertain significance. Review status: criteria provided, multiple submitters, no conflicts (2 of 4 stars). 2 submissions from 2 submitters: Uncertain significance (2). Last evaluated 2025-01-13.

Conditions:
Inborn genetic diseases. Identifiers: MedGen C0950123, MeSH D030342.

Allele frequency attached by ClinVar (database versions not stated): ExAC 0.00004; gnomAD 0.00009; TOPMed 0.00013; ESP Exome Variant Server 0.00031.
gnomAD v4.1: 28 of 1,613,410 alleles (0.0017%); highest among the groups gnomAD compares: African/African-American, 0.024%; no homozygotes.

Submissions (2):

Labcorp Genetics (formerly Invitae), Labcorp
Classification: Uncertain significance. Last evaluated: 2025-01-13. Review status: criteria provided, single submitter. Criteria: Invitae Variant Classification Sherloc (09022015). Collection method: clinical testing. Allele origin: germline.
Comment: This sequence change replaces threonine, which is neutral and polar, with methionine, which is neutral and non-polar, at codon 402 of the PKDCC protein (p.Thr402Met). This variant is present in population databases (rs199534537, gnomAD 0.03%). This variant has not been reported in the literature in individuals affected with PKDCC-related conditions. ClinVar contains an entry for this variant (Variation ID: 2189426). An algorithm developed to predict the effect of missense changes on protein structure and function (PolyPhen-2) suggests that this variant¬†is likely to be tolerated. In summary, the available evidence is currently insufficient to determine the role of this variant in disease. Therefore, it has been classified as a Variant of Uncertain Significance.

Ambry Genetics
Classification: Uncertain significance for Inborn genetic diseases. Last evaluated: 2024-11-25. Review status: criteria provided, single submitter. Criteria: Ambry Variant Classification Scheme 2023. Collection method: clinical testing. Allele origin: germline.